The following is an entry in ClinVar:

ClinVar aggregate classification (germline): Likely pathogenic (1 of 4 stars; one submission).

Conditions:
Autosomal recessive limb-girdle muscular dystrophy type 2D (LGMDR3). Also called: ADHALINOPATHY, PRIMARY; MUSCULAR DYSTROPHY, LIMB-GIRDLE, AUTOSOMAL RECESSIVE 3; DUCHENNE-LIKE AUTOSOMAL RECESSIVE MUSCULAR DYSTROPHY, TYPE 2. Identifiers: Orphanet 62, MedGen C2936332, MONDO:0011968, OMIM 608099. Disease mechanism: Affects gamma-sarcoglycan and also disrupts the integrity of the entire sarcoglycan complex..

Submission:

Labcorp Genetics (formerly Invitae), Labcorp
Classification: Likely pathogenic for Autosomal recessive limb-girdle muscular dystrophy type 2D. Last evaluated: 2022-09-06. Review status: criteria provided, single submitter. Criteria: Invitae Variant Classification Sherloc (09022015). Collection method: clinical testing. Allele origin: germline.
Comment: Variants that disrupt the consensus splice site are a relatively common cause of aberrant splicing (PMID: 17576681, 9536098). Algorithms developed to predict the effect of sequence changes on RNA splicing suggest that this variant may disrupt the consensus splice site. In summary, the currently available evidence indicates that the variant is pathogenic, but additional data are needed to prove that conclusively. Therefore, this variant has been classified as Likely Pathogenic. ClinVar contains an entry for this variant (Variation ID: 1480012). This variant has been observed in individual(s) with clinical features of SGCA-related disorders (Invitae). In at least one individual the data is consistent with being in trans (on the opposite chromosome) from a pathogenic variant. It has also been observed to segregate with disease in related individuals. This variant is not present in population databases (gnomAD no frequency). This sequence change affects codon 249 of the SGCA mRNA. It is a 'silent' change, meaning that it does not change the encoded amino acid sequence of the SGCA protein. This variant also falls at the last nucleotide of exon 6, which is part of the consensus splice site for this exon.

Literature cited by the submitters: PubMed 17576681; PubMed 9536098.

NM_000023.4(SGCA):c.747G>T (p.Leu249=)

Gene: SGCA (sarcoglycan alpha; plus strand). Cytogenetic location: 17q21.33.
Variant type: single nucleotide variant.
Coding change: c.747G>T on transcript NM_000023.4 (MANE Select); coding-DNA position 747, G replaced by T.
Protein change: p.Leu249=; no amino-acid change (leucine 249 retained).
Molecular consequence: synonymous variant. On other transcripts: non-coding transcript variant (1), intron variant (1).
Genome position (GRCh38, 1-based): chr17:50,169,254, G>T. VCF-style: chr17-50169254-G-T. GRCh37 (hg19) VCF-style: chr17-48246615-G-T.
Other names: c.584+682G>T (NM_001135697.3).
Identifiers: ClinVar variation 1480012 (VCV001480012.6), dbSNP rs2144498569, ClinGen allele CA500829308.